The following is an entry in ClinVar:

ClinVar aggregate classification (germline): Uncertain significance (1 of 4 stars; one submission).

Submission:

Labcorp Genetics (formerly Invitae), Labcorp
Classification: Uncertain significance. Last evaluated: 2025-08-11. Review status: criteria provided, single submitter. Criteria: Invitae Variant Classification Sherloc (09022015). Collection method: clinical testing. Allele origin: germline.
Comment: This sequence change replaces aspartic acid, which is acidic and polar, with histidine, which is basic and polar, at codon 121 of the TTC19 protein (p.Asp121His). This variant is not present in population databases (gnomAD no frequency). This variant has not been reported in the literature in individuals affected with TTC19-related conditions. ClinVar contains an entry for this variant (Variation ID: 3002089). Invitae Evidence Modeling of protein sequence and biophysical properties (such as structural, functional, and spatial information, amino acid conservation, physicochemical variation, residue mobility, and thermodynamic stability) indicates that this missense variant is not expected to disrupt TTC19 protein function with a negative predictive value of 80%. In summary, the available evidence is currently insufficient to determine the role of this variant in disease. Therefore, it has been classified as a Variant of Uncertain Significance.

NM_017775.4(TTC19):c.361G>C (p.Asp121His)

Gene: TTC19 (tetratricopeptide repeat domain 19; plus strand). Cytogenetic location: 17p12.
Variant type: single nucleotide variant.
Coding change: c.361G>C on transcript NM_017775.4 (MANE Select); coding-DNA position 361, G replaced by C.
Protein change: p.Asp121His; replaces aspartic acid 121 with histidine.
Molecular consequence: missense variant.
Genome position (GRCh38, 1-based): chr17:16,001,963, G>C. VCF-style: chr17-16001963-G-C. GRCh37 (hg19) VCF-style: chr17-15905277-G-C.
Other names: c.40G>C, p.Asp14His (NM_001271420.2); short protein forms D121H, D14H.
Identifiers: ClinVar variation 3002089 (VCV003002089.3), dbSNP rs2549924951, ClinGen allele CA398385002.
Genomic context (GRCh38, chr17:16,001,963, plus strand): 5'-TTCCCTTTTCAGTTGAGCATTATGAAAGATGAGCCAGAAGAGGCTGAGTTAATTTTGCAT[G>C]ACGCTCTTCGTCTCGCCTATCAGACTGATAACAAGAAGGCCATCACTTACACTTATGATT-3'
Protein context (NP_060245.3, residues 111-131): EPEEAELILH[Asp121His]ALRLAYQTDN